The following is an entry in ClinVar:

NM_000531.6(OTC):c.635G>T (p.Gly212Val)

Gene: OTC (ornithine transcarbamylase; plus strand). Cytogenetic location: Xp11.4.
Variant type: single nucleotide variant.
Coding change: c.635G>T on transcript NM_000531.6 (MANE Select); coding-DNA position 635, G replaced by T.
Protein change: p.Gly212Val; replaces glycine 212 with valine.
Molecular consequence: missense variant.
Genome position (GRCh38, 1-based): chrX:38,403,712, G>T. VCF-style: chrX-38403712-G-T. GRCh37 (hg19) VCF-style: chrX-38262965-G-T.
Other names: short protein forms G212V.
Identifiers: ClinVar variation 870315 (VCV000870315.2), dbSNP rs2068502421, ClinGen allele CA412725844.

ClinVar aggregate classification (germline): Pathogenic (0 of 4 stars; one submission).

Conditions:
Ornithine carbamoyltransferase deficiency (OTCD). Also called: OTC DEFICIENCY; Ornithine Carbamoyltransferase Deficiency Disease; ORNITHINE TRANSCARBAMYLASE DEFICIENCY; ORNITHINE TRANSCARBAMYLASE DEFICIENCY, HYPERAMMONEMIA DUE TO. Identifiers: Orphanet 664, MedGen C0268542, MONDO:0010703, OMIM 311250.

Submission:

Molecular Genetics laboratory, Necker Hospital
Classification: Pathogenic for Ornithine carbamoyltransferase deficiency. Review status: no assertion criteria provided. Collection method: clinical testing. Allele origin: maternal. Inheritance: X-linked inheritance. Affected: yes.